The following is an entry in ClinVar:

NM_001032386.2(SUOX):c.228+1G>A

Gene: SUOX (sulfite oxidase; plus strand). Cytogenetic location: 12q13.2.
Variant type: single nucleotide variant.
Coding change: c.228+1G>A on transcript NM_001032386.2 (MANE Select); the canonical splice donor site of the intron after coding-DNA position 228, G replaced by A.
Molecular consequence: splice donor variant.
Genome position (GRCh38, 1-based): chr12:56,002,721, G>A. VCF-style: chr12-56002721-G-A. GRCh37 (hg19) VCF-style: chr12-56396505-G-A.
Other names: c.228+1G>A (NM_000456.3, NM_001032387.2).
Identifiers: ClinVar variation 856291 (VCV000856291.10), dbSNP rs773655286, ClinGen allele CA6620905.

ClinVar aggregate classification (germline): Pathogenic/Likely pathogenic. Review status: criteria provided, multiple submitters, no conflicts (2 of 4 stars). 2 submissions from 2 submitters: Pathogenic (1); Likely pathogenic (1). Last evaluated 2025-07-31.

Conditions:
Sulfite oxidase deficiency. Also called: Isolated sulfite oxidase deficiency. Identifiers: Orphanet 833, Orphanet 99731, MedGen C0268624, MONDO:0010089, OMIM 272300, HP:0003643.

Allele frequency attached by ClinVar (database versions not stated): ExAC 0.00001; gnomAD exomes 0.00002.
gnomAD v4.1: 5 of 1,614,008 alleles (0.00031%); highest among the groups gnomAD compares: South Asian, 0.0055%; no homozygotes.

Submissions (2):

First Genomix Gene Laboratory, Genetic Diagnostics Department
Classification: Likely pathogenic for Sulfite oxidase deficiency. Last evaluated: 2025-07-31. Review status: criteria provided, single submitter. Criteria: ACMG Guidelines, 2015. Collection method: clinical testing. Allele origin: germline. Inheritance: Autosomal recessive inheritance. Affected: no. Observed: 1 variant allele.

Labcorp Genetics (formerly Invitae), Labcorp
Classification: Pathogenic for Sulfite oxidase deficiency. Last evaluated: 2023-08-21. Review status: criteria provided, single submitter. Criteria: Invitae Variant Classification Sherloc (09022015). Collection method: clinical testing. Allele origin: germline.
Comment: For these reasons, this variant has been classified as Pathogenic. This sequence change affects a donor splice site in intron 5 of the SUOX gene. While this variant is not anticipated to result in nonsense mediated decay, it likely alters RNA splicing and results in a disrupted protein product. This variant is present in population databases (rs773655286, gnomAD 0.01%). This variant has not been reported in the literature in individuals affected with SUOX-related conditions. ClinVar contains an entry for this variant (Variation ID: 856291). Variants that disrupt the consensus splice site are a relatively common cause of aberrant splicing (PMID: 17576681, 9536098). Algorithms developed to predict the effect of sequence changes on RNA splicing suggest that this variant may disrupt the consensus splice site. This variant disrupts a region of the SUOX protein in which other variant(s) (p.Arg529*) have been determined to be pathogenic (PMID: 17940249, 28980090). This suggests that this is a clinically significant region of the protein, and that variants that disrupt it are likely to be disease-causing.

Literature cited by the submitters: PubMed 17576681 (cited by Labcorp Genetics (formerly Invitae), Labcorp); PubMed 9536098 (cited by Labcorp Genetics (formerly Invitae), Labcorp); PubMed 17940249 (cited by Labcorp Genetics (formerly Invitae), Labcorp); PubMed 28980090 (cited by Labcorp Genetics (formerly Invitae), Labcorp).